The following is an entry in ClinVar:

ClinVar aggregate classification (germline): Pathogenic (1 of 4 stars; one submission).

Conditions:
Intellectual developmental disorder, autosomal dominant 39. Also called: Intellectual disability, autosomal dominant 39; Mental retardation, autosomal dominant 39. Identifiers: MedGen C4225296, MONDO:0014678, OMIM 616521.

Submission:

Victorian Clinical Genetics Services, Murdoch Childrens Research Institute
Classification: Pathogenic for Intellectual developmental disorder, autosomal dominant 39. Last evaluated: 2023-07-17. Review status: criteria provided, single submitter. Criteria: ACMG Guidelines, 2015. Collection method: clinical testing. Allele origin: germline. Inheritance: Autosomal dominant inheritance. Affected: yes.
Comment: Based on the classification scheme VCGS_Germline_v1.3.4, this variant is classified as Pathogenic. Following criteria are met: 0102 - Loss of function is a known mechanism of disease in this gene and is associated with autosomal dominant intellectual developmental disorder 39 (MIM#616521). (I) 0107 - This gene is associated with autosomal dominant disease. (I) 0115 - Variants in this gene are known to have variable expressivity. Individuals with pathogenic variants in this gene presented with variable phenotypes and severity (PMID: 33622623). (I) 0201 - Variant is predicted to cause nonsense-mediated decay (NMD) and loss of protein (premature termination codon is located at least 54 nucleotides upstream of the final exon-exon junction). (SP) 0251 - This variant is heterozygous. (I) 0301 - Variant is absent from gnomAD (both v2 and v3). (SP) 0701 - Other NMD predicted variants comparable to the one identified in this case have very strong previous evidence for pathogenicity (DECIPHER). (SP) 0807 - This variant has no previous evidence of pathogenicity. (I) 0905 - No published segregation evidence has been identified for this variant. (I) 1007 - No published functional evidence has been identified for this variant. (I) 1207 - Parental origin of the variant is unresolved. (I) Legend: (SP) - Supporting pathogenic, (I) - Information, (SB) - Supporting benign

Literature cited by the submitters: PubMed 33622623.

NM_001303052.2(MYT1L):c.377del (p.Glu126fs)

Gene: MYT1L (myelin transcription factor 1 like; minus strand). Cytogenetic location: 2p25.3.
Variant type: Deletion.
Coding change: c.377del on transcript NM_001303052.2 (MANE Select); coding-DNA position 377, one base deleted (A; older notation c.377delA).
Protein change: p.Glu126fs; shifts the reading frame from glutamic acid 126.
Molecular consequence: frameshift variant.
Genome position (GRCh38, 1-based): chr2:1,943,110, T deleted on the plus strand (A on the coding strand, the reverse complement: MYT1L is on the minus strand). VCF-style (leftmost placement, unchanged base first): chr2-1943109-CT-C. GRCh37 (hg19) VCF-style: chr2-1946881-CT-C.
Other names: c.377del, p.Glu126fs (NM_001329844.2, NM_001329845.1, NM_001329846.3 and 6 more transcripts); short protein forms E126fs.
Identifiers: ClinVar variation 3255172 (VCV003255172.1), dbSNP rs2551026441.